The following is an entry in ClinVar:

ClinVar aggregate classification (germline): Uncertain significance (1 of 4 stars; one submission).

Conditions:
Familial hypobetalipoproteinemia 1. Also called: APOB-Related Familial Hypobetalipoproteinemia; Hypobetalipoproteinemia, normotriglyceridemic; Acanthocytosis with hypobetalipoproteinemia. Identifiers: MedGen C4551990, MONDO:0014252, OMIM 615558.
Hypercholesterolemia, autosomal dominant, type B (FHCL2). Also called: Familial Hypercholesterolemia Type B; APOLIPOPROTEIN B-100, FAMILIAL DEFECTIVE; APOLIPOPROTEIN B-100, FAMILIAL LIGAND-DEFECTIVE; HYPERCHOLESTEROLEMIA, FAMILIAL, DUE TO LIGAND-DEFECTIVE APOLIPOPROTEIN B; Hyperlipoproteinemia Type IIb; Familial hypercholesterolemia 2. Identifiers: MedGen C1704417, MONDO:0007751, OMIM 144010.

gnomAD v4.1: 1 of 1,558,030 alleles (0.000064%); no homozygotes.

Submission:

Labcorp Genetics (formerly Invitae), Labcorp
Classification: Uncertain significance for Familial hypobetalipoproteinemia 1; Hypercholesterolemia, autosomal dominant, type B. Last evaluated: 2024-05-19. Review status: criteria provided, single submitter. Criteria: Invitae Variant Classification Sherloc (09022015). Collection method: clinical testing. Allele origin: germline.
Comment: This sequence change replaces tyrosine, which is neutral and polar, with histidine, which is basic and polar, at codon 276 of the APOB protein (p.Tyr276His). This variant is not present in population databases (gnomAD no frequency). This variant has not been reported in the literature in individuals affected with APOB-related conditions. Advanced modeling of protein sequence and biophysical properties (such as structural, functional, and spatial information, amino acid conservation, physicochemical variation, residue mobility, and thermodynamic stability) performed at Invitae indicates that this missense variant is not expected to disrupt APOB protein function with a negative predictive value of 95%. In summary, the available evidence is currently insufficient to determine the role of this variant in disease. Therefore, it has been classified as a Variant of Uncertain Significance.

NM_000384.3(APOB):c.826T>C (p.Tyr276His)

Gene: APOB (apolipoprotein B; minus strand). Cytogenetic location: 2p24.1.
Variant type: single nucleotide variant.
Coding change: c.826T>C on transcript NM_000384.3 (MANE Select); coding-DNA position 826, T replaced by C.
Protein change: p.Tyr276His; replaces tyrosine 276 with histidine.
Molecular consequence: missense variant.
Genome position (GRCh38, 1-based): chr2:21,034,894, A>G on the plus strand (T>C on the coding strand, the complement: APOB is on the minus strand). VCF-style: chr2-21034894-A-G. GRCh37 (hg19) VCF-style: chr2-21257766-A-G.
Other names: short protein forms Y276H.
Identifiers: ClinVar variation 3751951 (VCV003751951.2).
Genomic context (GRCh38, chr2:21,034,894, plus strand): 5'-TGTTGATCTTTGGTGTGTCTTCAAGTTTCAAAGTCTGTGTCACTTGTGCTACCATCCCAT[A>G]CTTATTCCTGGTAACCAAGGAAGCACACCATGTCACGGATGGCCAGAACATACTATTCTT-3'
Protein context (NP_000375.3, residues 266-286): LFLPFSYKNK[Tyr276His]GMVAQVTQTL